The following is an entry in ClinVar:

NM_001166108.2(PALLD):c.1965-12870T>C

Gene: PALLD (palladin, cytoskeletal associated protein; plus strand). Cytogenetic location: 4q32.3.
Variant type: single nucleotide variant.
Coding change: c.1965-12870T>C on transcript NM_001166108.2 (MANE Select); 12870 bases into the intron before coding-DNA position 1965, T replaced by C.
Molecular consequence: intron variant. On other transcripts: missense variant (1).
Genome position (GRCh38, 1-based): chr4:168,878,052, T>C. VCF-style: chr4-168878052-T-C. GRCh37 (hg19) VCF-style: chr4-169799203-T-C.
Other names: c.161T>C, p.Met54Thr (NM_001166110.2); c.1965-12870T>C (NM_016081.4); c.819-12870T>C (NM_001166109.2); c.-157-12870T>C (NM_001367570.1, NM_001367568.1, NM_001367567.1 and 1 more transcripts); short protein forms M54T.
Identifiers: ClinVar variation 542931 (VCV000542931.10), dbSNP rs1474793366, ClinGen allele CA358795288.

ClinVar aggregate classification (germline): Uncertain significance. Review status: criteria provided, multiple submitters, no conflicts (2 of 4 stars). 2 submissions from 2 submitters: Uncertain significance (2). Last evaluated 2025-07-18.

Conditions:
Pancreatic adenocarcinoma. Identifiers: MedGen C0281361, MONDO:0006047, HP:0006725.

Allele frequency attached by ClinVar (database versions not stated): gnomAD exomes below 0.00001 and 0.00002; TOPMed 0.00002.
gnomAD v4.1: 7 of 1,482,518 alleles (0.00047%); highest among the groups gnomAD compares: South Asian, 0.0025%; no homozygotes.

Submissions (2):

Labcorp Genetics (formerly Invitae), Labcorp
Classification: Uncertain significance for Pancreatic adenocarcinoma. Last evaluated: 2025-07-18. Review status: criteria provided, single submitter. Criteria: Invitae Variant Classification Sherloc (09022015). Collection method: clinical testing. Allele origin: germline.
Comment: This sequence change replaces methionine, which is neutral and non-polar, with threonine, which is neutral and polar, at codon 54 of the PALLD protein (p.Met54Thr). This variant is present in population databases (no rsID available, gnomAD 0.006%). This variant has not been reported in the literature in individuals affected with PALLD-related conditions. ClinVar contains an entry for this variant (Variation ID: 542931). An algorithm developed to predict the effect of missense changes on protein structure and function (PolyPhen-2) suggests that this variant is likely to be tolerated. In summary, the available evidence is currently insufficient to determine the role of this variant in disease. Therefore, it has been classified as a Variant of Uncertain Significance.

Ambry Genetics
Classification: Uncertain significance. Last evaluated: 2024-12-20. Review status: criteria provided, single submitter. Criteria: Ambry Variant Classification Scheme 2023. Collection method: clinical testing. Allele origin: germline.
Comment: The p.M54T variant (also known as c.161T>C), located in coding exon 1 of the PALLD gene, results from a T to C substitution at nucleotide position 161. The methionine at codon 54 is replaced by threonine, an amino acid with similar properties. This amino acid position is conserved. In addition, this alteration is predicted to be tolerated by in silico analysis. Based on the available evidence, the clinical significance of this variant remains unclear.